The following is an entry in ClinVar:

NM_001261826.3(AP3D1):c.471C>T (p.His157=)

Gene: AP3D1 (adaptor related protein complex 3 subunit delta 1; minus strand). Cytogenetic location: 19p13.3.
Variant type: single nucleotide variant.
Coding change: c.471C>T on transcript NM_001261826.3 (MANE Select); coding-DNA position 471, C replaced by T.
Protein change: p.His157=; no amino-acid change (histidine 157 retained).
Molecular consequence: synonymous variant.
Genome position (GRCh38, 1-based): chr19:2,130,529, G>A on the plus strand (C>T on the coding strand, the complement: AP3D1 is on the minus strand). VCF-style: chr19-2130529-G-A. GRCh37 (hg19) VCF-style: chr19-2130528-G-A.
Other names: c.471C>T, p.His157= (NM_001374799.1, NM_003938.8).
Identifiers: ClinVar variation 3036238 (VCV003036238.2), dbSNP rs2512205588, ClinGen allele CA504775443.

ClinVar aggregate classification (germline): Likely benign (0 of 4 stars; one submission).

Conditions:
AP3D1-related disorder. Also called: AP3D1-related condition.

Submission:

PreventionGenetics, part of Exact Sciences
Classification: Likely benign for AP3D1-related condition. Last evaluated: 2020-05-29. Review status: no assertion criteria provided. Collection method: clinical testing. Allele origin: germline.
Comment: This variant is classified as likely benign based on ACMG/AMP sequence variant interpretation guidelines (Richards et al. 2015 PMID: 25741868, with internal and published modifications).